The following is an entry in ClinVar:

ClinVar aggregate classification (germline): Uncertain significance (1 of 4 stars; one submission).

Submission:

Labcorp Genetics (formerly Invitae), Labcorp
Classification: Uncertain significance. Last evaluated: 2022-02-23. Review status: criteria provided, single submitter. Criteria: Invitae Variant Classification Sherloc (09022015). Collection method: clinical testing. Allele origin: germline.
Comment: In summary, the available evidence is currently insufficient to determine the role of this variant in disease. Therefore, it has been classified as a Variant of Uncertain Significance. Algorithms developed to predict the effect of missense changes on protein structure and function are either unavailable or do not agree on the potential impact of this missense change (SIFT: "Tolerated"; PolyPhen-2: "Probably Damaging"; Align-GVGD: "Class C0"). This variant has not been reported in the literature in individuals affected with RINT1-related conditions. This variant is not present in population databases (gnomAD no frequency). This sequence change replaces leucine, which is neutral and non-polar, with proline, which is neutral and non-polar, at codon 598 of the RINT1 protein (p.Leu598Pro).

NM_021930.6(RINT1):c.1793T>C (p.Leu598Pro)

Gene: RINT1 (RAD50 interactor 1; plus strand). Cytogenetic location: 7q22.3.
Variant type: single nucleotide variant.
Coding change: c.1793T>C on transcript NM_021930.6 (MANE Select); coding-DNA position 1793, T replaced by C.
Protein change: p.Leu598Pro; replaces leucine 598 with proline.
Molecular consequence: missense variant. On other transcripts: non-coding transcript variant (1).
Genome position (GRCh38, 1-based): chr7:105,563,854, T>C. VCF-style: chr7-105563854-T-C. GRCh37 (hg19) VCF-style: chr7-105204301-T-C.
Other names: c.1559T>C, p.Leu520Pro (NM_001346599.2); c.770T>C, p.Leu257Pro (NM_001346600.2, NM_001346603.2); c.869T>C, p.Leu290Pro (NM_001346601.2); short protein forms L257P, L290P, L598P, L520P.
Identifiers: ClinVar variation 2102482 (VCV002102482.4), dbSNP rs2485176000, ClinGen allele CA368813946.